The following is an entry in ClinVar:

NM_001567.4(INPPL1):c.2813C>T (p.Pro938Leu)

Gene: INPPL1 (inositol polyphosphate phosphatase like 1; plus strand). Cytogenetic location: 11q13.4.
Variant type: single nucleotide variant.
Coding change: c.2813C>T on transcript NM_001567.4 (MANE Select); coding-DNA position 2813, C replaced by T.
Protein change: p.Pro938Leu; replaces proline 938 with leucine.
Molecular consequence: missense variant.
Genome position (GRCh38, 1-based): chr11:72,235,920, C>T. VCF-style: chr11-72235920-C-T. GRCh37 (hg19) VCF-style: chr11-71946964-C-T.
Other names: c.2813C>T (NM_001567.3); short protein forms P938L.
Identifiers: ClinVar variation 1408403 (VCV001408403.5), dbSNP rs144622174, ClinGen allele CA6170472.
Genomic context (GRCh38, chr11:72,235,920, plus strand): 5'-AGCCAGCCTTCACAGAGGCCTCCTGCCCGCTCTCCAGGTTATTTGAAGAACCAGAGAAAC[C>T]GCCACCAACGGGGAGGCCCCCAGCCCCACCCCGAGCAGCTCCCCGGGAGGAGCCCTTGAC-3'
Protein context (NP_001558.3, residues 928-948): LSRLFEEPEK[Pro938Leu]PPTGRPPAPP

ClinVar aggregate classification (germline): Uncertain significance. Review status: criteria provided, multiple submitters, no conflicts (2 of 4 stars). 2 submissions from 2 submitters: Uncertain significance (2). Last evaluated 2025-08-09.

Conditions:
Inborn genetic diseases. Identifiers: MedGen C0950123, MeSH D030342.

Allele frequency attached by ClinVar (database versions not stated): gnomAD exomes 0.00008 and 0.00004; TOPMed 0.00009; ESP Exome Variant Server 0.00015; gnomAD 0.00006; ExAC 0.00008.
gnomAD v4.1: 81 of 1,612,954 alleles (0.005%); highest among the groups gnomAD compares: Admixed American, 0.022%; no homozygotes.

Submissions (2):

Ambry Genetics
Classification: Uncertain significance for Inborn genetic diseases. Last evaluated: 2025-08-09. Review status: criteria provided, single submitter. Criteria: Ambry Variant Classification Scheme 2023. Collection method: clinical testing. Allele origin: germline.

Labcorp Genetics (formerly Invitae), Labcorp
Classification: Uncertain significance. Last evaluated: 2021-08-31. Review status: criteria provided, single submitter. Criteria: Invitae Variant Classification Sherloc (09022015). Collection method: clinical testing. Allele origin: germline.
Comment: This sequence change replaces proline with leucine at codon 938 of the INPPL1 protein (p.Pro938Leu). The proline residue is moderately conserved and there is a moderate physicochemical difference between proline and leucine. This variant is present in population databases (rs144622174, ExAC 0.02%). This variant has not been reported in the literature in individuals affected with INPPL1-related conditions. Algorithms developed to predict the effect of missense changes on protein structure and function are either unavailable or do not agree on the potential impact of this missense change (SIFT: "Deleterious"; PolyPhen-2: "Benign"; Align-GVGD: "Class C0"). In summary, the available evidence is currently insufficient to determine the role of this variant in disease. Therefore, it has been classified as a Variant of Uncertain Significance.